The following is an entry in ClinVar:

ClinVar aggregate classification (germline): Uncertain significance (1 of 4 stars; one submission).

Conditions:
Oto-palato-digital syndrome, type II (OPD2). Also called: Otopalatodigital Syndrome Type 2 (FLNA-OPD2); Otopalatodigital Syndrome, Type II; FACIOPALATOOSSEOUS SYNDROME; OPD II SYNDROME. Identifiers: Orphanet 669, Orphanet 90652, MedGen C1844696, MONDO:0010571, OMIM 304120.
Frontometaphyseal dysplasia (FMD1). Identifiers: Orphanet 1826, MedGen C0265293, MONDO:0015942.
Melnick-Needles syndrome (MNS). Also called: Melnick-Needles Syndrome (FLNA-MNS); MELNICK-NEEDLES OSTEODYSPLASTY; OSTEODYSPLASTY OF MELNICK AND NEEDLES. Identifiers: Orphanet 2484, MedGen C0025237, MONDO:0010650, OMIM 309350.
Heterotopia, periventricular, X-linked dominant (PVNH1). Also called: PERIVENTRICULAR NODULAR HETEROTOPIA 4; HETEROTOPIA, PERIVENTRICULAR, 1; X-linked periventricular heterotopia; PERIVENTRICULAR NODULAR HETEROTOPIA 1. Identifiers: Orphanet 2149, Orphanet 82004, MedGen C1848213, MONDO:0010233, OMIM 300049.

Allele frequency attached by ClinVar (database versions not stated): gnomAD exomes below 0.00001.
gnomAD v4.1: 1 of 1,210,836 alleles (0.000083%); highest among the groups gnomAD compares: Admixed American, 0.0022%; no homozygotes.

Submission:

Labcorp Genetics (formerly Invitae), Labcorp
Classification: Uncertain significance for Oto-palato-digital syndrome, type II; Heterotopia, periventricular, X-linked dominant; Frontometaphyseal dysplasia; Melnick-Needles syndrome. Last evaluated: 2022-02-18. Review status: criteria provided, single submitter. Criteria: Invitae Variant Classification Sherloc (09022015). Collection method: clinical testing. Allele origin: germline.
Comment: This sequence change replaces alanine, which is neutral and non-polar, with glycine, which is neutral and non-polar, at codon 330 of the FLNA protein (p.Ala330Gly). This variant is present in population databases (rs782129085, gnomAD 0.004%). This variant has not been reported in the literature in individuals affected with FLNA-related conditions. Algorithms developed to predict the effect of missense changes on protein structure and function are either unavailable or do not agree on the potential impact of this missense change (SIFT: "Deleterious"; PolyPhen-2: "Benign"; Align-GVGD: "Class C55"). In summary, the available evidence is currently insufficient to determine the role of this variant in disease. Therefore, it has been classified as a Variant of Uncertain Significance.

NM_001110556.2(FLNA):c.989C>G (p.Ala330Gly)

Gene: FLNA (filamin A; minus strand). Cytogenetic location: Xq28.
Variant type: single nucleotide variant.
Coding change: c.989C>G on transcript NM_001110556.2 (MANE Select); coding-DNA position 989, C replaced by G.
Protein change: p.Ala330Gly; replaces alanine 330 with glycine.
Molecular consequence: missense variant.
Genome position (GRCh38, 1-based): chrX:154,366,638, G>C on the plus strand (C>G on the coding strand, the complement: FLNA is on the minus strand). VCF-style: chrX-154366638-G-C. GRCh37 (hg19) VCF-style: chrX-153595006-G-C.
Other names: c.989C>G, p.Ala330Gly (NM_001456.4); short protein forms A330G.
Identifiers: ClinVar variation 2138146 (VCV002138146.4), dbSNP rs782129085, ClinGen allele CA10561301.